The following is an entry in ClinVar:

NM_001943.5(DSG2):c.2659A>G (p.Ser887Gly)

Genes: DSG2 (desmoglein 2; plus strand), DSG2-AS1 (DSG2 antisense RNA 1; minus strand). Cytogenetic location: 18q12.1.
Variant type: single nucleotide variant.
Coding change: c.2659A>G on transcript NM_001943.5 (MANE Select); coding-DNA position 2659, A replaced by G.
Protein change: p.Ser887Gly; replaces serine 887 with glycine.
Molecular consequence: missense variant.
Genome position (GRCh38, 1-based): chr18:31,546,045, A>G. VCF-style: chr18-31546045-A-G. GRCh37 (hg19) VCF-style: chr18-29126008-A-G.
Other names: short protein forms S887G.
Identifiers: ClinVar variation 684805 (VCV000684805.3), dbSNP rs1598826780, ClinGen allele CA402145943.
Genomic context (GRCh38, chr18:31,546,045, plus strand): 5'-TCACATTCACTCTGTGAGCAAACTATGGTTAATTCAGAGAATACCTACTCCTCTGGCAGT[A>G]GCTTCCCAGTTCCAAAATCTTTGCAAGAAGCCAATGCAGAGAAAGTAACTCAGGAAATAG-3'
Protein context (NP_001934.2, residues 877-897): NSENTYSSGS[Ser887Gly]FPVPKSLQEA

ClinVar aggregate classification (germline): Uncertain significance. Review status: criteria provided, multiple submitters, no conflicts (2 of 4 stars). 2 submissions from 2 submitters: Uncertain significance (2). Last evaluated 2024-06-06.

Conditions:
Arrhythmogenic right ventricular cardiomyopathy (ARVD). Also called: Arrhythmogenic cardiomyopathy; Cardiomyopathy, ARVC; Arrhythmogenic right ventricular dysplasia; Arrhythmogenic Right Ventricular Cardiomyopathy (ARVC). Identifiers: Orphanet 247, MedGen C0349788, MeSH D019571, MONDO:0016587. Disease mechanism: loss of function. Inheritance: Various modes of inheritance.
Arrhythmogenic right ventricular dysplasia 10. Also called: Arrhythmogenic Right Ventricular Dysplasia/Cardiomyopathy10; ARRHYTHMOGENIC RIGHT VENTRICULAR DYSPLASIA, FAMILIAL, 10; Arrhythmogenic right ventricular dysplasia/cardiomyopathy, type 10. Identifiers: MedGen C1857777, MONDO:0012434, OMIM 610193.

Allele frequency attached by ClinVar (database versions not stated): gnomAD exomes below 0.00001.
gnomAD v4.1: 1 of 1,614,238 alleles (0.000062%); highest among the groups gnomAD compares: Non-Finnish European, 0.000085%; no homozygotes.

Submissions (2):

Labcorp Genetics (formerly Invitae), Labcorp
Classification: Uncertain significance for Arrhythmogenic right ventricular dysplasia 10. Last evaluated: 2024-06-06. Review status: criteria provided, single submitter. Criteria: Invitae Variant Classification Sherloc (09022015). Collection method: clinical testing. Allele origin: germline.
Comment: This sequence change replaces serine, which is neutral and polar, with glycine, which is neutral and non-polar, at codon 887 of the DSG2 protein (p.Ser887Gly). This variant is not present in population databases (gnomAD no frequency). This variant has not been reported in the literature in individuals affected with DSG2-related conditions. ClinVar contains an entry for this variant (Variation ID: 684805). Advanced modeling of protein sequence and biophysical properties (such as structural, functional, and spatial information, amino acid conservation, physicochemical variation, residue mobility, and thermodynamic stability) performed at Invitae indicates that this missense variant is not expected to disrupt DSG2 protein function with a negative predictive value of 95%. In summary, the available evidence is currently insufficient to determine the role of this variant in disease. Therefore, it has been classified as a Variant of Uncertain Significance.

Molecular Diagnostic Laboratory for Inherited Cardiovascular Disease, Montreal Heart Institute
Classification: Uncertain significance for Arrhythmogenic right ventricular cardiomyopathy. Review status: criteria provided, single submitter. Criteria: ACMG Guidelines, 2015. Collection method: clinical testing. Allele origin: germline. Affected: yes.